The following is an entry in ClinVar:

NM_001845.6(COL4A1):c.175G>A (p.Val59Ile)

Gene: COL4A1 (collagen type IV alpha 1 chain; minus strand). Cytogenetic location: 13q34.
Variant type: single nucleotide variant.
Coding change: c.175G>A on transcript NM_001845.6 (MANE Select); coding-DNA position 175, G replaced by A.
Protein change: p.Val59Ile; replaces valine 59 with isoleucine.
Molecular consequence: missense variant.
Genome position (GRCh38, 1-based): chr13:110,213,985, C>T on the plus strand (G>A on the coding strand, the complement: COL4A1 is on the minus strand). VCF-style: chr13-110213985-C-T. GRCh37 (hg19) VCF-style: chr13-110866332-C-T.
Other names: c.175G>A (NM_001845.4); c.175G>A, p.Val59Ile (NM_001303110.2); short protein forms V59I.
Identifiers: ClinVar variation 1954904 (VCV001954904.7), dbSNP rs775496475, ClinGen allele CA7048643.

ClinVar aggregate classification (germline): Uncertain significance. Review status: criteria provided, multiple submitters, no conflicts (2 of 4 stars). 2 submissions from 2 submitters: Uncertain significance (2). Last evaluated 2025-07-07.

Allele frequency attached by ClinVar (database versions not stated): ExAC 0.00001; gnomAD 0.00001; TOPMed 0.00001; gnomAD exomes 0.00002.
gnomAD v4.1: 31 of 1,613,962 alleles (0.0019%); highest among the groups gnomAD compares: African/African-American, 0.0027%; no homozygotes.

Submissions (2):

Labcorp Genetics (formerly Invitae), Labcorp
Classification: Uncertain significance. Last evaluated: 2025-07-07. Review status: criteria provided, single submitter. Criteria: Invitae Variant Classification Sherloc (09022015). Collection method: clinical testing. Allele origin: germline.
Comment: This sequence change replaces valine, which is neutral and non-polar, with isoleucine, which is neutral and non-polar, at codon 59 of the COL4A1 protein (p.Val59Ile). This variant is present in population databases (rs775496475, gnomAD 0.0009%). This variant has not been reported in the literature in individuals affected with COL4A1-related conditions. ClinVar contains an entry for this variant (Variation ID: 1954904). Invitae Evidence Modeling of protein sequence and biophysical properties (such as structural, functional, and spatial information, amino acid conservation, physicochemical variation, residue mobility, and thermodynamic stability) indicates that this missense variant is not expected to disrupt COL4A1 protein function with a negative predictive value of 95%. In summary, the available evidence is currently insufficient to determine the role of this variant in disease. Therefore, it has been classified as a Variant of Uncertain Significance.

GeneDx
Classification: Uncertain significance. Last evaluated: 2025-05-20. Review status: criteria provided, single submitter. Criteria: GeneDx Variant Classification Process June 2021. Collection method: clinical testing. Allele origin: germline.
Comment: Not observed at significant frequency in large population cohorts (gnomAD); In silico analysis suggests that this missense variant does not alter protein structure/function; Has not been previously published as pathogenic or benign to our knowledge